The following is an entry in ClinVar:

ClinVar aggregate classification (germline): Uncertain significance. Review status: criteria provided, multiple submitters, no conflicts (2 of 4 stars). 3 submissions from 3 submitters: Uncertain significance (3). Last evaluated 2025-10-08.

Allele frequency attached by ClinVar (database versions not stated): gnomAD 0.00005; ESP Exome Variant Server 0.00015; gnomAD exomes 0.00006; ExAC 0.00002; TOPMed 0.00006.
gnomAD v4.1: 98 of 1,610,174 alleles (0.0061%); highest among the groups gnomAD compares: Non-Finnish European, 0.0075%; no homozygotes.

Submissions (3):

Labcorp Genetics (formerly Invitae), Labcorp
Classification: Uncertain significance. Last evaluated: 2025-10-08. Review status: criteria provided, single submitter. Criteria: Invitae Variant Classification Sherloc (09022015). Collection method: clinical testing. Allele origin: germline.
Comment: This sequence change replaces threonine, which is neutral and polar, with alanine, which is neutral and non-polar, at codon 576 of the LARS protein (p.Thr576Ala). This variant is present in population databases (rs150503335, gnomAD 0.01%). This variant has not been reported in the literature in individuals affected with LARS-related conditions. ClinVar contains an entry for this variant (Variation ID: 2581769). Invitae Evidence Modeling of protein sequence and biophysical properties (such as structural, functional, and spatial information, amino acid conservation, physicochemical variation, residue mobility, and thermodynamic stability) indicates that this missense variant is not expected to disrupt LARS protein function with a negative predictive value of 80%. In summary, the available evidence is currently insufficient to determine the role of this variant in disease. Therefore, it has been classified as a Variant of Uncertain Significance.

Ambry Genetics
Classification: Uncertain significance. Last evaluated: 2024-12-03. Review status: criteria provided, single submitter. Criteria: Ambry Variant Classification Scheme 2023. Collection method: clinical testing. Allele origin: germline.

GeneDx
Classification: Uncertain significance. Last evaluated: 2023-09-01. Review status: criteria provided, single submitter. Criteria: GeneDx Variant Classification Process June 2021. Collection method: clinical testing. Allele origin: germline. Affected: yes.
Comment: Not observed at significant frequency in large population cohorts (gnomAD); In silico analysis supports that this missense variant has a deleterious effect on protein structure/function; Has not been previously published as pathogenic or benign to our knowledge

NM_020117.11(LARS1):c.1726A>G (p.Thr576Ala)

Gene: LARS1 (leucyl-tRNA synthetase 1; minus strand). Cytogenetic location: 5q32.
Variant type: single nucleotide variant.
Coding change: c.1726A>G on transcript NM_020117.11 (MANE Select); coding-DNA position 1726, A replaced by G.
Protein change: p.Thr576Ala; replaces threonine 576 with alanine.
Molecular consequence: missense variant.
Genome position (GRCh38, 1-based): chr5:146,144,279, T>C on the plus strand (A>G on the coding strand, the complement: LARS1 is on the minus strand). VCF-style: chr5-146144279-T-C. GRCh37 (hg19) VCF-style: chr5-145523842-T-C.
Other names: c.1588A>G, p.Thr530Ala (NM_001317964.2); c.1564A>G, p.Thr522Ala (NM_001317965.2); c.1645A>G, p.Thr549Ala (NM_016460.4); short protein forms T522A, T530A, T549A, T576A.
Identifiers: ClinVar variation 2581769 (VCV002581769.4), dbSNP rs150503335, ClinGen allele CA3489527.